The following is an entry in ClinVar:

ClinVar aggregate classification (germline): Uncertain significance. Review status: criteria provided, multiple submitters, no conflicts (2 of 4 stars). 2 submissions from 2 submitters: Uncertain significance (2). Last evaluated 2026-05-03.

Conditions:
Cardiovascular phenotype. Identifiers: MedGen CN230736.

gnomAD v4.1: 7 of 1,614,024 alleles (0.00043%); highest among the groups gnomAD compares: African/African-American, 0.008%; no homozygotes.

Submissions (2):

Ambry Genetics
Classification: Uncertain significance for Cardiovascular phenotype. Last evaluated: 2026-05-03. Review status: criteria provided, single submitter. Criteria: Ambry Variant Classification Scheme 2023. Collection method: clinical testing. Allele origin: germline.
Comment: The p.C264R variant (also known as c.790T>C), located in coding exon 7 of the PRDM5 gene, results from a T to C substitution at nucleotide position 790. The cysteine at codon 264 is replaced by arginine, an amino acid with highly dissimilar properties. This amino acid position is conserved. In addition, this alteration is predicted to be deleterious by in silico analysis. Based on the available evidence, the clinical significance of this variant remains unclear.

Labcorp Genetics (formerly Invitae), Labcorp
Classification: Uncertain significance. Last evaluated: 2025-04-02. Review status: criteria provided, single submitter. Criteria: Invitae Variant Classification Sherloc (09022015). Collection method: clinical testing. Allele origin: germline.
Comment: This sequence change replaces cysteine, which is neutral and slightly polar, with arginine, which is basic and polar, at codon 264 of the PRDM5 protein (p.Cys264Arg). This variant is present in population databases (rs766744692, gnomAD 0.01%). This variant has not been reported in the literature in individuals affected with PRDM5-related conditions. An algorithm developed to predict the effect of missense changes on protein structure and function (PolyPhen-2) suggests that this variant is likely to be disruptive. In summary, the available evidence is currently insufficient to determine the role of this variant in disease. Therefore, it has been classified as a Variant of Uncertain Significance.

NM_018699.4(PRDM5):c.790T>C (p.Cys264Arg)

Gene: PRDM5 (PR/SET domain 5; minus strand). Cytogenetic location: 4q27.
Variant type: single nucleotide variant.
Coding change: c.790T>C on transcript NM_018699.4 (MANE Select); coding-DNA position 790, T replaced by C.
Protein change: p.Cys264Arg; replaces cysteine 264 with arginine.
Molecular consequence: missense variant.
Genome position (GRCh38, 1-based): chr4:120,816,528, A>G on the plus strand (T>C on the coding strand, the complement: PRDM5 is on the minus strand). VCF-style: chr4-120816528-A-G. GRCh37 (hg19) VCF-style: chr4-121737683-A-G.
Other names: c.790T>C (NM_018699.2); c.697T>C, p.Cys233Arg (NM_001300823.2, NM_001300824.2, NM_001379106.1); c.790T>C, p.Cys264Arg (NM_001379104.1); short protein forms C264R, C233R.
Identifiers: ClinVar variation 4749361 (VCV004749361.2).